The following is an entry in ClinVar:

ClinVar aggregate classification (germline): Uncertain significance. Review status: criteria provided, multiple submitters, no conflicts (2 of 4 stars). 2 submissions from 2 submitters: Uncertain significance (2). Last evaluated 2025-01-09.

Conditions:
Inborn genetic diseases. Identifiers: MedGen C0950123, MeSH D030342.
Nemaline myopathy 2 (NEM2). Also called: Nemaline myopathy 2, autosomal recessive. Identifiers: MedGen C1850569, MONDO:0009725, OMIM 256030.

Allele frequency attached by ClinVar (database versions not stated): TOPMed below 0.00001; gnomAD 0.00001; gnomAD exomes 0.00001.
gnomAD v4.1: 5 of 1,613,868 alleles (0.00031%); highest among the groups gnomAD compares: Non-Finnish European, 0.00042%; no homozygotes.

Submissions (2):

Ambry Genetics
Classification: Uncertain significance for Inborn genetic diseases. Last evaluated: 2025-01-09. Review status: criteria provided, single submitter. Criteria: Ambry Variant Classification Scheme 2023. Collection method: clinical testing. Allele origin: germline.

Labcorp Genetics (formerly Invitae), Labcorp
Classification: Uncertain significance for Nemaline myopathy 2. Last evaluated: 2022-08-22. Review status: criteria provided, single submitter. Criteria: Invitae Variant Classification Sherloc (09022015). Collection method: clinical testing. Allele origin: germline.
Comment: This sequence change replaces serine, which is neutral and polar, with cysteine, which is neutral and slightly polar, at codon 2844 of the NEB protein (p.Ser2844Cys). This variant is not present in population databases (gnomAD no frequency). This variant has not been reported in the literature in individuals affected with NEB-related conditions. Algorithms developed to predict the effect of missense changes on protein structure and function are either unavailable or do not agree on the potential impact of this missense change (SIFT: "Deleterious"; PolyPhen-2: "Not Available"; Align-GVGD: "Class C0"). In summary, the available evidence is currently insufficient to determine the role of this variant in disease. Therefore, it has been classified as a Variant of Uncertain Significance.

NM_001164508.2(NEB):c.8530A>T (p.Ser2844Cys)

Gene: NEB (nebulin; minus strand). Cytogenetic location: 2q23.3.
Variant type: single nucleotide variant.
Coding change: c.8530A>T on transcript NM_001164508.2 (MANE Select); coding-DNA position 8530, A replaced by T.
Protein change: p.Ser2844Cys; replaces serine 2844 with cysteine.
Molecular consequence: missense variant.
Genome position (GRCh38, 1-based): chr2:151,640,510, T>A on the plus strand (A>T on the coding strand, the complement: NEB is on the minus strand). VCF-style: chr2-151640510-T-A. GRCh37 (hg19) VCF-style: chr2-152497024-T-A.
Other names: c.8530A>T, p.Ser2844Cys (NM_001164507.2, NM_001271208.2, NM_004543.5); c.8530A>T (NM_004543.4); short protein forms S2844C.
Identifiers: ClinVar variation 2158311 (VCV002158311.2), dbSNP rs2098833425, ClinGen allele CA348810540.